The following is an entry in ClinVar:

NM_006922.4(SCN3A):c.2702T>C (p.Met901Thr)

Gene: SCN3A (sodium voltage-gated channel alpha subunit 3; minus strand). Cytogenetic location: 2q24.3.
Variant type: single nucleotide variant.
Coding change: c.2702T>C on transcript NM_006922.4 (MANE Select); coding-DNA position 2702, T replaced by C.
Protein change: p.Met901Thr; replaces methionine 901 with threonine.
Molecular consequence: missense variant.
Genome position (GRCh38, 1-based): chr2:165,130,160, A>G on the plus strand (T>C on the coding strand, the complement: SCN3A is on the minus strand). VCF-style: chr2-165130160-A-G. GRCh37 (hg19) VCF-style: chr2-165986670-A-G.
Other names: c.2555T>C, p.Met852Thr (NM_001081676.2, NM_001081677.2); short protein forms M901T, M852T.
Identifiers: ClinVar variation 424517 (VCV000424517.5), dbSNP rs983605439, ClinGen allele CA16617254.
Genomic context (GRCh38, chr2:165,130,160, plus strand): 5'-AGCGTACAGTCATCATTGATCTTGCAGACACATTCTTTGTAGCTCTTACCAAAGAGCTGC[A>G]TGCCGACCACAGCAAAAATGAAGACGATGATGGCCAACACCAAGGTGAGGTTTCCTAGAG-3'
Protein context (NP_008853.3, residues 891-911): IIVFIFAVVG[Met901Thr]QLFGKSYKEC

ClinVar aggregate classification (germline): Uncertain significance. Review status: criteria provided, multiple submitters, no conflicts (2 of 4 stars). 2 submissions from 2 submitters: Uncertain significance (2). Last evaluated 2023-11-21.

Allele frequency attached by ClinVar (database versions not stated): gnomAD exomes below 0.00001; gnomAD 0.00001; TOPMed 0.00001.
gnomAD v4.1: 7 of 1,614,054 alleles (0.00043%); highest among the groups gnomAD compares: Non-Finnish European, 0.00059%; no homozygotes.

Submissions (2):

Labcorp Genetics (formerly Invitae), Labcorp
Classification: Uncertain significance. Last evaluated: 2023-11-21. Review status: criteria provided, single submitter. Criteria: Invitae Variant Classification Sherloc (09022015). Collection method: clinical testing. Allele origin: germline.
Comment: This sequence change replaces methionine, which is neutral and non-polar, with threonine, which is neutral and polar, at codon 901 of the SCN3A protein (p.Met901Thr). This variant is not present in population databases (gnomAD no frequency). This variant has not been reported in the literature in individuals affected with SCN3A-related conditions. ClinVar contains an entry for this variant (Variation ID: 424517). Advanced modeling of protein sequence and biophysical properties (such as structural, functional, and spatial information, amino acid conservation, physicochemical variation, residue mobility, and thermodynamic stability) performed at Invitae indicates that this missense variant is expected to disrupt SCN3A protein function with a positive predictive value of 80%. In summary, the available evidence is currently insufficient to determine the role of this variant in disease. Therefore, it has been classified as a Variant of Uncertain Significance.

GeneDx
Classification: Uncertain significance. Last evaluated: 2017-03-24. Review status: criteria provided, single submitter. Criteria: GeneDx Variant Classification (06012015). Collection method: clinical testing. Allele origin: germline. Affected: yes.
Comment: The M901T variant in the SCN3A gene has not been reported previously as a pathogenic variant, nor as a benign variant, to our knowledge. The M901T variant is not observed in large population cohorts (Lek et al., 2016; 1000 Genomes Consortium et al., 2015; Exome Variant Server). The M901T variant is a non-conservative amino acid substitution, which is likely to impact secondary protein structure as these residues differ in polarity, charge, size and/or other properties. This substitution occurs at a position that is conserved across species and in silico analysis predicts this variant is probably damaging to the protein structure/function. We interpret M901T as a variant of uncertain significance.